The following is an entry in ClinVar:

NM_000245.4(MET):c.2390A>G (p.Glu797Gly)

Gene: MET (MET proto-oncogene, receptor tyrosine kinase; plus strand). Cytogenetic location: 7q31.2.
Variant type: single nucleotide variant.
Coding change: c.2390A>G on transcript NM_000245.4 (MANE Select); coding-DNA position 2390, A replaced by G.
Protein change: p.Glu797Gly; replaces glutamic acid 797 with glycine.
Molecular consequence: missense variant.
Genome position (GRCh38, 1-based): chr7:116,763,075, A>G. VCF-style: chr7-116763075-A-G. GRCh37 (hg19) VCF-style: chr7-116403129-A-G.
Other names: c.2444A>G, p.Glu815Gly (NM_001127500.3); c.2390A>G, p.Glu797Gly (NM_001324401.3); c.1100A>G, p.Glu367Gly (NM_001324402.2); short protein forms E797G, E815G, E367G.
Identifiers: ClinVar variation 3395214 (VCV003395214.1).

ClinVar aggregate classification (germline): Uncertain significance (1 of 4 stars; one submission).

Conditions:
Hereditary cancer-predisposing syndrome. Also called: Hereditary Cancer Syndrome; Tumor predisposition; Hereditary neoplastic syndrome; Neoplastic Syndromes, Hereditary. Identifiers: Orphanet 140162, MedGen C0027672, MeSH D009386, MONDO:0015356.

Submission:

Ambry Genetics
Classification: Uncertain significance for Hereditary cancer-predisposing syndrome. Last evaluated: 2024-12-08. Review status: criteria provided, single submitter. Criteria: Ambry Variant Classification Scheme 2023. Collection method: clinical testing. Allele origin: germline.
Comment: The p.E815G variant (also known as c.2444A>G), located in coding exon 10 of the MET gene, results from an A to G substitution at nucleotide position 2444. The glutamic acid at codon 815 is replaced by glycine, an amino acid with similar properties. This amino acid position is conserved. In addition, the in silico prediction for this alteration is inconclusive. Based on the available evidence, the clinical significance of this variant remains unclear.